The following is an entry in ClinVar:

NM_021076.4(NEFH):c.2352G>T (p.Lys784Asn)

Gene: NEFH (neurofilament heavy chain; plus strand). Cytogenetic location: 22q12.2.
Variant type: single nucleotide variant.
Coding change: c.2352G>T on transcript NM_021076.4 (MANE Select); coding-DNA position 2352, G replaced by T.
Protein change: p.Lys784Asn; replaces lysine 784 with asparagine.
Molecular consequence: missense variant.
Genome position (GRCh38, 1-based): chr22:29,489,992, G>T. VCF-style: chr22-29489992-G-T. GRCh37 (hg19) VCF-style: chr22-29885981-G-T.
Other names: short protein forms K784N.
Identifiers: ClinVar variation 4782026 (VCV004782026.1).

ClinVar aggregate classification (germline): Uncertain significance (1 of 4 stars; one submission).

Submission:

Labcorp Genetics (formerly Invitae), Labcorp
Classification: Uncertain significance. Last evaluated: 2025-02-07. Review status: criteria provided, single submitter. Criteria: Invitae Variant Classification Sherloc (09022015). Collection method: clinical testing. Allele origin: germline.
Comment: This sequence change replaces lysine, which is basic and polar, with asparagine, which is neutral and polar, at codon 784 of the NEFH protein (p.Lys784Asn). This variant is present in population databases (rs771335598, gnomAD 0.01%). This variant has not been reported in the literature in individuals affected with NEFH-related conditions. Invitae Evidence Modeling of protein sequence and biophysical properties (such as structural, functional, and spatial information, amino acid conservation, physicochemical variation, residue mobility, and thermodynamic stability) indicates that this missense variant is not expected to disrupt NEFH protein function with a negative predictive value of 95%. In summary, the available evidence is currently insufficient to determine the role of this variant in disease. Therefore, it has been classified as a Variant of Uncertain Significance.